The following is an entry in ClinVar:

NM_001267550.2(TTN):c.78469_78475del (p.Gln26157fs)

Genes: TTN (titin; minus strand), TTN-AS1 (TTN antisense RNA 1; plus strand). Cytogenetic location: 2q31.2.
Variant type: Deletion.
Coding change: c.78469_78475del on transcript NM_001267550.2 (MANE Select); coding-DNA positions 78469 to 78475, 7 bases deleted (CAAAGAT; older notation c.78469_78475delCAAAGAT).
Protein change: p.Gln26157fs; shifts the reading frame from glutamine 26157.
Molecular consequence: frameshift variant.
Genome position (GRCh38, 1-based): chr2:178,567,657-178,567,663, ATCTTTG deleted on the plus strand (CAAAGAT on the coding strand, the reverse complement: TTN is on the minus strand); deleting any 7 consecutive bases within chr2:178,567,657-178,567,668 gives the same sequence; the c. name uses the placement nearest the transcript's 3' end. VCF-style (leftmost placement, unchanged base first): chr2-178567656-TATCTTTG-T. GRCh37 (hg19) VCF-style: chr2-179432383-TATCTTTG-T.
Other names: c.73546_73552del, p.Gln24516fs (NM_001256850.1); c.51274_51280del, p.Gln17092fs (NM_003319.4); c.70765_70771del, p.Gln23589fs (NM_133378.4); c.51649_51655del, p.Gln17217fs (NM_133432.3); c.51850_51856del, p.Gln17284fs (NM_133437.4); c.51274_51280delCAAAGAT (NM_003319.4); short protein forms Q17284fs, Q17217fs, Q23589fs, Q24516fs, Q17092fs, Q26157fs.
Identifiers: ClinVar variation 4193811 (VCV004193811.1).

ClinVar aggregate classification (germline): Likely pathogenic (1 of 4 stars; one submission).

Conditions:
Cardiovascular phenotype. Identifiers: MedGen CN230736.

Submission:

Ambry Genetics
Classification: Likely pathogenic for Cardiovascular phenotype. Last evaluated: 2025-07-22. Review status: criteria provided, single submitter. Criteria: Ambry Variant Classification Scheme 2023. Collection method: clinical testing. Allele origin: germline.
Comment: The c.51274_51280delCAAAGAT alteration, located in exon 154 (coding exon 153) of the TTN gene, consists of a deletion of 7 nucleotides from position 51274 to 51280, causing a translational frameshift with a predicted alternate stop codon after 14 amino acids. This alteration is expected to result in loss of function by premature protein truncation or nonsense-mediated mRNA decay. This variant was not reported in population-based cohorts in the Genome Aggregation Database (gnomAD). This exon is located in the A-band region of the N2-B isoform of the titin protein and is constitutively expressed in TTN transcripts (percent spliced in or PSI 100%). While truncating variants in TTN are present in 1-3% of the general population, truncating variants in the A-band are the most common cause of dilated cardiomyopathy (Herman, 2012; Roberts, 2015). TTN truncating variants encoded in constitutive exons (PSI >90%) have been found to be significantly associated with DCM regardless of their position in titin (Schafer, 2017; Akhtar, 2020; Massier, 2025). Based on the available evidence, this alteration is classified as likely pathogenic.

Literature cited by the submitters: PubMed 22335739; PubMed 25589632; PubMed 27869827; PubMed 32964742; PubMed 39844436.